The following is an entry in ClinVar:

ClinVar aggregate classification (germline): Uncertain significance (1 of 4 stars; one submission).

Conditions:
Axenfeld-Rieger syndrome type 3 (RIEG3). Also called: AXENFELD-RIEGER ANOMALY WITH CARDIAC DEFECTS AND/OR SENSORINEURAL HEARING LOSS. Identifiers: Orphanet 782, MedGen C2678503, MONDO:0011233, OMIM 602482.

Submission:

Labcorp Genetics (formerly Invitae), Labcorp
Classification: Uncertain significance for Axenfeld-Rieger syndrome type 3. Last evaluated: 2022-01-16. Review status: criteria provided, single submitter. Criteria: Invitae Variant Classification Sherloc (09022015). Collection method: clinical testing. Allele origin: germline.
Comment: In summary, the available evidence is currently insufficient to determine the role of this variant in disease. Therefore, it has been classified as a Variant of Uncertain Significance. Algorithms developed to predict the effect of missense changes on protein structure and function are either unavailable or do not agree on the potential impact of this missense change (SIFT: "Tolerated"; PolyPhen-2: "Probably Damaging"; Align-GVGD: "Class C0"). This variant has not been reported in the literature in individuals affected with FOXC1-related conditions. This variant is not present in population databases (gnomAD no frequency). This sequence change replaces glycine, which is neutral and non-polar, with glutamic acid, which is acidic and polar, at codon 14 of the FOXC1 protein (p.Gly14Glu).

NM_001453.3(FOXC1):c.41G>A (p.Gly14Glu)

Gene: FOXC1 (forkhead box C1; plus strand). Cytogenetic location: 6p25.3.
Variant type: single nucleotide variant.
Coding change: c.41G>A on transcript NM_001453.3 (MANE Select); coding-DNA position 41, G replaced by A.
Protein change: p.Gly14Glu; replaces glycine 14 with glutamic acid.
Molecular consequence: missense variant.
Genome position (GRCh38, 1-based): chr6:1,610,486, G>A. VCF-style: chr6-1610486-G-A. GRCh37 (hg19) VCF-style: chr6-1610721-G-A.
Other names: short protein forms G14E.
Identifiers: ClinVar variation 2065703 (VCV002065703.4), dbSNP rs2480501247, ClinGen allele CA362557950.